The following is an entry in ClinVar:

ClinVar aggregate classification (germline): Uncertain significance (1 of 4 stars; one submission).

Submission:

Women's Health and Genetics/Laboratory Corporation of America, LabCorp
Classification: Uncertain significance. Last evaluated: 2025-06-04. Review status: criteria provided, single submitter. Criteria: LabCorp Variant Classification Summary - May 2015. Collection method: clinical testing. Allele origin: germline.
Comment: Variant summary: ASS1 c.371A>T (p.Asp124Val) results in a non-conservative amino acid change in the encoded protein sequence. Algorithms developed to predict the effect of missense changes on protein structure and function all suggest that this variant is likely to be disruptive. The variant was absent in 251442 control chromosomes. The available data on variant occurrences in the general population are insufficient to allow any conclusion about variant significance. To our knowledge, no occurrence of c.371A>T in individuals affected with Citrullinemia Type I and no experimental evidence demonstrating its impact on protein function have been reported. A different variant affecting the same codon has been classified as likely pathogenic/pathogenic by our lab (c.370G>A, &same_codon_pdot&), supporting the critical relevance of codon 124 to ASS1 protein function. No submitters have cited clinical-significance assessments for this variant to ClinVar. Based on the evidence outlined above, the variant was classified as uncertain significance.

NM_054012.4(ASS1):c.371A>T (p.Asp124Val)

Gene: ASS1 (argininosuccinate synthase 1; plus strand). Cytogenetic location: 9q34.11.
Variant type: single nucleotide variant.
Coding change: c.371A>T on transcript NM_054012.4 (MANE Select); coding-DNA position 371, A replaced by T.
Protein change: p.Asp124Val; replaces aspartic acid 124 with valine.
Molecular consequence: missense variant.
Genome position (GRCh38, 1-based): chr9:130,464,118, A>T. VCF-style: chr9-130464118-A-T. GRCh37 (hg19) VCF-style: chr9-133339505-A-T.
Other names: c.371A>T, p.Asp124Val (NM_000050.4); short protein forms D124V.
Identifiers: ClinVar variation 3907399 (VCV003907399.1).